The following is an entry in ClinVar:

ClinVar aggregate classification (germline): Likely pathogenic (1 of 4 stars; one submission).

Conditions:
Hereditary cancer-predisposing syndrome. Also called: Tumor predisposition; Neoplastic Syndromes, Hereditary; Hereditary Cancer Syndrome; Hereditary neoplastic syndrome. Identifiers: Orphanet 140162, MedGen C0027672, MeSH D009386, MONDO:0015356.

Submission:

Ambry Genetics
Classification: Likely pathogenic for Hereditary cancer-predisposing syndrome. Last evaluated: 2017-02-20. Review status: criteria provided, single submitter. Criteria: Ambry Variant Classification Scheme 2023. Collection method: clinical testing. Allele origin: germline.
Comment: The EX2_3dup gross duplication spans coding exons 2 through 3 in the CHEK2 gene. Additional analysis to determine breakpoints identified that this duplication is in tandem and in frame (Ambry internal data). Structural analysis of this duplication reveals that it would act to disrupt the resulting protein's normal mode of dimerization and activation, ultimately leading to an inactive protein (Ambry internal data). Based on the majority of available evidence to date, this variant is likely to be pathogenic.

NM_007194.4(CHEK2):c.320-1843_592+340dup

Gene: CHEK2 (checkpoint kinase 2; minus strand). Cytogenetic location: 22q12.1.
Variant type: Duplication.
Coding change: c.320-1843_592+340dup on transcript NM_007194.4 (MANE Select); 1843 bases into the intron before coding-DNA position 320 through 340 bases into the intron after coding-DNA position 592, 2,574 bases duplicated.
Molecular consequence: splice acceptor variant, splice donor variant.
Genome position (GRCh38, 1-based): chr22:28,724,637-28,727,210, 2,574 bases duplicated. GRCh37 (hg19): chr22:29,120,625-29,123,198.
Other names: c.-344-1843_-72+340dup (NM_001437942.1); c.320-1843_482+249dup (NM_001349956.3); c.320-1843_592+340dup (NM_145862.3); c.-458-1843_-186+340dup (NM_001257387.3); c.413-1843_685+340dup (NM_001438295.1, NM_001438293.1); c.449-1843_721+340dup (NM_001438294.1, NM_001005735.3).
Identifiers: ClinVar variation 1728823 (VCV001728823.2), ClinGen allele CA2580099400.